The following is an entry in ClinVar:

ClinVar aggregate classification (germline): Uncertain significance (1 of 4 stars; one submission).

Conditions:
Ehlers-Danlos syndrome, type 4 (EDSVASC). Also called: Ehlers-Danlos syndrome vascular type; Ehlers Danlos syndrome, ecchymotic type; Ehlers Danlos syndrome, arterial type; Ehlers Danlos syndrome, Sack-Barabas type; Ehlers-Danlos Syndrome Type IV. Identifiers: Orphanet 286, MedGen C0268338, MONDO:0017314, OMIM 130050.

gnomAD v4.1: 2 of 1,610,288 alleles (0.00012%); highest among the groups gnomAD compares: Admixed American, 0.0033%; no homozygotes.

Submission:

All of Us Research Program, National Institutes of Health
Classification: Uncertain significance for Ehlers-Danlos syndrome, type 4. Last evaluated: 2024-09-23. Review status: criteria provided, single submitter. Criteria: ACMG Guidelines, 2015. Collection method: clinical testing. Allele origin: germline. Inheritance: Autosomal dominant inheritance. Observed: 1 variant allele, 1 heterozygote.
Comment: This study involves interpretation of variants in research participants for the purpose of population health screening. Participant phenotype was not available at the time of variant classification. Additional details can be found in publication PMID: 35346344, PMCID: PMC8962531

NM_000090.4(COL3A1):c.2666A>G (p.Asn889Ser)

Gene: COL3A1 (collagen type III alpha 1 chain; plus strand). Cytogenetic location: 2q32.2.
Variant type: single nucleotide variant.
Coding change: c.2666A>G on transcript NM_000090.4 (MANE Select); coding-DNA position 2666, A replaced by G.
Protein change: p.Asn889Ser; replaces asparagine 889 with serine.
Molecular consequence: missense variant.
Genome position (GRCh38, 1-based): chr2:189,003,986, A>G. VCF-style: chr2-189003986-A-G. GRCh37 (hg19) VCF-style: chr2-189868712-A-G.
Other names: short protein forms N889S.
Identifiers: ClinVar variation 3386471 (VCV003386471.1).